The following is an entry in ClinVar:

NM_000979.4(RPL18):c.418T>G (p.Ser140Ala)

Gene: RPL18 (ribosomal protein L18; minus strand). Cytogenetic location: 19q13.33.
Variant type: single nucleotide variant.
Coding change: c.418T>G on transcript NM_000979.4 (MANE Select); coding-DNA position 418, T replaced by G.
Protein change: p.Ser140Ala; replaces serine 140 with alanine.
Molecular consequence: missense variant. On other transcripts: non-coding transcript variant (1).
Genome position (GRCh38, 1-based): chr19:48,616,082, A>C on the plus strand (T>G on the coding strand, the complement: RPL18 is on the minus strand). VCF-style: chr19-48616082-A-C. GRCh37 (hg19) VCF-style: chr19-49119339-A-C.
Other names: c.331T>G, p.Ser111Ala (NM_001270490.2); short protein forms S111A, S140A.
Identifiers: ClinVar variation 4780813 (VCV004780813.1).

ClinVar aggregate classification (germline): Uncertain significance (1 of 4 stars; one submission).

gnomAD v4.1: 1 of 1,614,014 alleles (0.000062%); highest among the groups gnomAD compares: Non-Finnish European, 0.000085%; no homozygotes.

Submission:

Labcorp Genetics (formerly Invitae), Labcorp
Classification: Uncertain significance. Last evaluated: 2025-03-05. Review status: criteria provided, single submitter. Criteria: Invitae Variant Classification Sherloc (09022015). Collection method: clinical testing. Allele origin: germline.
Comment: This sequence change replaces serine, which is neutral and polar, with alanine, which is neutral and non-polar, at codon 140 of the RPL18 protein (p.Ser140Ala). This variant is present in population databases (rs761204720, gnomAD 0.0009%). This variant has not been reported in the literature in individuals affected with RPL18-related conditions. An algorithm developed to predict the effect of missense changes on protein structure and function (PolyPhen-2) suggests that this variant is likely to be tolerated. In summary, the available evidence is currently insufficient to determine the role of this variant in disease. Therefore, it has been classified as a Variant of Uncertain Significance.